The following is an entry in ClinVar:

NM_000051.4(ATM):c.2960G>T (p.Cys987Phe)

Gene: ATM (ATM serine/threonine kinase; plus strand). Cytogenetic location: 11q22.3.
Variant type: single nucleotide variant.
Coding change: c.2960G>T on transcript NM_000051.4 (MANE Select); coding-DNA position 2960, G replaced by T.
Protein change: p.Cys987Phe; replaces cysteine 987 with phenylalanine.
Molecular consequence: missense variant.
Genome position (GRCh38, 1-based): chr11:108,271,289, G>T. VCF-style: chr11-108271289-G-T. GRCh37 (hg19) VCF-style: chr11-108142016-G-T.
Other names: c.2960G>T, p.Cys987Phe (NM_001351834.2); short protein forms C987F.
Identifiers: ClinVar variation 1798166 (VCV001798166.4), dbSNP rs1555085052, ClinGen allele CA382547223.
Genomic context (GRCh38, chr11:108,271,289, plus strand): 5'-TTTTTTTTTTTTTTTACCACAGCAATGTGTGTTCTTTGTATCGTCGTGACCAAGATGTTT[G>T]TAAAACTATTTTAAACCATGTCCTTCATGTAGTGAAAAACCTAGGTCAAAGCAATATGGA-3'
Protein context (NP_000042.3, residues 977-997): CSLYRRDQDV[Cys987Phe]KTILNHVLHV

ClinVar aggregate classification (germline): Uncertain significance. Review status: criteria provided, multiple submitters, no conflicts (2 of 4 stars). 2 submissions from 2 submitters: Uncertain significance (2). Last evaluated 2024-06-14.

Conditions:
Hereditary cancer-predisposing syndrome. Also called: Neoplastic Syndromes, Hereditary; Tumor predisposition; Hereditary neoplastic syndrome; Hereditary Cancer Syndrome. Identifiers: Orphanet 140162, MedGen C0027672, MeSH D009386, MONDO:0015356.
Ataxia-telangiectasia syndrome (AT). Also called: Ataxia-telangiectasia, complementation group D; AT, COMPLEMENTATION GROUP C; ATAXIA-TELANGIECTASIA, COMPLEMENTATION GROUP A; ATAXIA-TELANGIECTASIA, FRESNO VARIANT; Ataxia-telangiectasia; LOUIS-BAR SYNDROME. Identifiers: Orphanet 100, MedGen C0004135, MONDO:0008840, OMIM 208900.

Submissions (2):

Labcorp Genetics (formerly Invitae), Labcorp
Classification: Uncertain significance for Ataxia-telangiectasia syndrome. Last evaluated: 2024-06-14. Review status: criteria provided, single submitter. Criteria: Invitae Variant Classification Sherloc (09022015). Collection method: clinical testing. Allele origin: germline.
Comment: This sequence change replaces cysteine, which is neutral and slightly polar, with phenylalanine, which is neutral and non-polar, at codon 987 of the ATM protein (p.Cys987Phe). This variant is not present in population databases (gnomAD no frequency). This variant has not been reported in the literature in individuals affected with ATM-related conditions. ClinVar contains an entry for this variant (Variation ID: 1798166). An algorithm developed to predict the effect of missense changes on protein structure and function (PolyPhen-2) suggests that this variant is likely to be disruptive. In summary, the available evidence is currently insufficient to determine the role of this variant in disease. Therefore, it has been classified as a Variant of Uncertain Significance.

Ambry Genetics
Classification: Uncertain significance for Hereditary cancer-predisposing syndrome. Last evaluated: 2021-12-10. Review status: criteria provided, single submitter. Criteria: Ambry Variant Classification Scheme 2023. Collection method: clinical testing. Allele origin: germline.
Comment: The p.C987F variant (also known as c.2960G>T), located in coding exon 19 of the ATM gene, results from a G to T substitution at nucleotide position 2960. The cysteine at codon 987 is replaced by phenylalanine, an amino acid with highly dissimilar properties. This amino acid position is conserved. In addition, this alteration is predicted to be deleterious by in silico analysis. Since supporting evidence is limited at this time, the clinical significance of this alteration remains unclear.